The following is an entry in ClinVar:

ClinVar aggregate classification (germline): Uncertain significance (1 of 4 stars; one submission).

Conditions:
Perlman syndrome (PRLMNS). Identifiers: Orphanet 2849, MedGen C0796113, MONDO:0009965, OMIM 267000.

Submission:

Labcorp Genetics (formerly Invitae), Labcorp
Classification: Uncertain significance for Perlman syndrome. Last evaluated: 2024-09-08. Review status: criteria provided, single submitter. Criteria: Invitae Variant Classification Sherloc (09022015). Collection method: clinical testing. Allele origin: germline.
Comment: This sequence change replaces threonine, which is neutral and polar, with alanine, which is neutral and non-polar, at codon 67 of the DIS3L2 protein (p.Thr67Ala). This variant is not present in population databases (gnomAD no frequency). This variant has not been reported in the literature in individuals affected with DIS3L2-related conditions. Invitae Evidence Modeling of protein sequence and biophysical properties (such as structural, functional, and spatial information, amino acid conservation, physicochemical variation, residue mobility, and thermodynamic stability) indicates that this missense variant is not expected to disrupt DIS3L2 protein function with a negative predictive value of 80%. In summary, the available evidence is currently insufficient to determine the role of this variant in disease. Therefore, it has been classified as a Variant of Uncertain Significance.

NM_152383.5(DIS3L2):c.199A>G (p.Thr67Ala)

Gene: DIS3L2 (DIS3 like 3'-5' exoribonuclease 2; plus strand). Cytogenetic location: 2q37.1.
Variant type: single nucleotide variant.
Coding change: c.199A>G on transcript NM_152383.5 (MANE Select); coding-DNA position 199, A replaced by G.
Protein change: p.Thr67Ala; replaces threonine 67 with alanine.
Molecular consequence: missense variant. On other transcripts: non-coding transcript variant (2).
Genome position (GRCh38, 1-based): chr2:232,015,660, A>G. VCF-style: chr2-232015660-A-G. GRCh37 (hg19) VCF-style: chr2-232880370-A-G.
Other names: c.199A>G, p.Thr67Ala (NM_001257281.2, NM_001257282.2); short protein forms T67A.
Identifiers: ClinVar variation 2904381 (VCV002904381.3), dbSNP rs2469596000, ClinGen allele CA351152113.